The following is an entry in ClinVar:

NM_022437.3(ABCG8):c.337T>C (p.Ser113Pro)

Gene: ABCG8 (ATP binding cassette subfamily G member 8; plus strand). Cytogenetic location: 2p21.
Variant type: single nucleotide variant.
Coding change: c.337T>C on transcript NM_022437.3 (MANE Select); coding-DNA position 337, T replaced by C.
Protein change: p.Ser113Pro; replaces serine 113 with proline.
Molecular consequence: missense variant.
Genome position (GRCh38, 1-based): chr2:43,851,598, T>C. VCF-style: chr2-43851598-T-C. GRCh37 (hg19) VCF-style: chr2-44078737-T-C.
Other names: c.337T>C, p.Ser113Pro (NM_001357321.2); short protein forms S113P.
Identifiers: ClinVar variation 2585885 (VCV002585885.3), dbSNP rs554717502, ClinGen allele CA1636989.

ClinVar aggregate classification (germline): Uncertain significance (1 of 4 stars; one submission).

Conditions:
Cardiovascular phenotype. Identifiers: MedGen CN230736.

Allele frequency attached by ClinVar (database versions not stated): gnomAD exomes below 0.00001; TOPMed below 0.00001; ExAC 0.00001; gnomAD 0.00001; 1000 Genomes Project 30x 0.00016; 1000 Genomes Project 0.00020.
gnomAD v4.1: 6 of 1,614,198 alleles (0.00037%); highest among the groups gnomAD compares: South Asian, 0.0055%; no homozygotes.

Submission:

Ambry Genetics
Classification: Uncertain significance for Cardiovascular phenotype. Last evaluated: 2025-07-07. Review status: criteria provided, single submitter. Criteria: Ambry Variant Classification Scheme 2023. Collection method: clinical testing. Allele origin: germline.
Comment: The p.S113P variant (also known as c.337T>C), located in coding exon 4 of the ABCG8 gene, results from a T to C substitution at nucleotide position 337. The serine at codon 113 is replaced by proline, an amino acid with similar properties. This amino acid position is conserved. In addition, the in silico prediction for this alteration is inconclusive. Since supporting evidence is limited at this time, the clinical significance of this alteration remains unclear.